The following is an entry in ClinVar:

NM_001348768.2(HECW2):c.3525G>A (p.Ser1175=)

Gene: HECW2 (HECT, C2 and WW domain containing E3 ubiquitin protein ligase 2; minus strand). Cytogenetic location: 2q32.3.
Variant type: single nucleotide variant.
Coding change: c.3525G>A on transcript NM_001348768.2 (MANE Select); coding-DNA position 3525, G replaced by A.
Protein change: p.Ser1175=; no amino-acid change (serine 1175 retained).
Molecular consequence: synonymous variant.
Genome position (GRCh38, 1-based): chr2:196,253,924, C>T on the plus strand (G>A on the coding strand, the complement: HECW2 is on the minus strand). VCF-style: chr2-196253924-C-T. GRCh37 (hg19) VCF-style: chr2-197118648-C-T.
Other names: c.2457G>A, p.Ser819= (NM_001304840.3); c.3525G>A, p.Ser1175= (NM_020760.4).
Identifiers: ClinVar variation 3350356 (VCV003350356.1).

ClinVar aggregate classification (germline): Likely benign (0 of 4 stars; one submission).

Conditions:
HECW2-related disorder. Also called: HECW2-related condition.

gnomAD v4.1: 58 of 1,613,434 alleles (0.0036%); highest among the groups gnomAD compares: African/African-American, 0.019%; no homozygotes.

Submission:

PreventionGenetics, part of Exact Sciences
Classification: Likely benign for HECW2-related condition. Last evaluated: 2019-05-31. Review status: no assertion criteria provided. Collection method: clinical testing. Allele origin: germline.
Comment: This variant is classified as likely benign based on ACMG/AMP sequence variant interpretation guidelines (Richards et al. 2015 PMID: 25741868, with internal and published modifications).